The following is an entry in ClinVar:

NM_000426.4(LAMA2):c.6708-3A>C

Gene: LAMA2 (laminin subunit alpha 2; plus strand). Cytogenetic location: 6q22.33.
Variant type: single nucleotide variant.
Coding change: c.6708-3A>C on transcript NM_000426.4 (MANE Select); 3 bases into the intron before coding-DNA position 6708, A replaced by C.
Molecular consequence: intron variant.
Genome position (GRCh38, 1-based): chr6:129,456,332, A>C. VCF-style: chr6-129456332-A-C. GRCh37 (hg19) VCF-style: chr6-129777477-A-C.
Other names: p.?; c.6708-3A>C (NM_001079823.2).
Identifiers: ClinVar variation 423685 (VCV000423685.28), dbSNP rs112637707, ClinGen allele CA3994352.

ClinVar aggregate classification (germline): Conflicting classifications of pathogenicity. Review status: criteria provided, conflicting classifications (1 of 4 stars). 9 submissions from 9 submitters: Uncertain significance (2); Likely benign (4). 3 of the submissions do not count toward it. Last evaluated 2026-01-19.

Conditions:
LAMA2-related disorder. Also called: LAMA2-related condition; LAMA2-related disorders.
Congenital muscular dystrophy due to partial LAMA2 deficiency. Identifiers: MedGen C1842898.
LAMA2-related muscular dystrophy (LAMA2-RD). Also called: Laminin alpha 2-related dystrophy. Identifiers: MedGen C5679788, MONDO:0100228.

Allele frequency attached by ClinVar (database versions not stated): gnomAD exomes 0.00033; ExAC 0.00038; TOPMed 0.00079; gnomAD 0.00087 and 0.00088; 1000 Genomes Project 30x 0.00094; 1000 Genomes Project 0.00100; ESP Exome Variant Server 0.00131.
gnomAD v4.1: 403 of 1,613,342 alleles (0.025%); highest among the groups gnomAD compares: African/African-American, 0.23%; 1 homozygote.

Submissions (9):

Labcorp Genetics (formerly Invitae), Labcorp
Classification: Likely benign for LAMA2-related muscular dystrophy. Last evaluated: 2026-01-19. Review status: criteria provided, single submitter. Criteria: Invitae Variant Classification Sherloc (09022015). Collection method: clinical testing. Allele origin: germline.

Mayo Clinic Laboratories, Mayo Clinic
Classification: Likely benign. Last evaluated: 2025-05-16. Review status: criteria provided, single submitter. Criteria: ACMG Guidelines, 2015. Collection method: clinical testing. Allele origin: germline. Observed: 3 variant alleles.
Comment: BP4, BP7

Blueprint Genetics
Classification: Likely benign. Last evaluated: 2024-09-11. Review status: criteria provided, single submitter. Criteria: ACMG Guidelines, 2015. Collection method: clinical testing. Allele origin: germline.

Revvity Omics, Revvity
Classification: Uncertain significance. Last evaluated: 2024-05-28. Review status: criteria provided, single submitter. Criteria: ACMG Guidelines, 2015. Collection method: clinical testing. Allele origin: germline.

GeneDx
Classification: Likely benign. Last evaluated: 2019-07-24. Review status: criteria provided, single submitter. Criteria: GeneDx Variant Classification Process June 2021. Collection method: clinical testing. Allele origin: germline. Affected: yes.
Comment: This variant is associated with the following publications: (PMID: 30055037)

Illumina Laboratory Services, Illumina
Classification: Uncertain significance for Congenital muscular dystrophy due to partial LAMA2 deficiency. Last evaluated: 2018-01-13. Review status: criteria provided, single submitter. Criteria: ICSL Variant Classification Criteria 13 December 2019. Collection method: clinical testing. Allele origin: germline.

PreventionGenetics, part of Exact Sciences
Classification: Likely benign for LAMA2-related condition. Last evaluated: 2023-08-28. Review status: no assertion criteria provided. Collection method: clinical testing. Allele origin: germline. Not counted in ClinVar's aggregate classification.
Comment: This variant is classified as likely benign based on ACMG/AMP sequence variant interpretation guidelines (Richards et al. 2015 PMID: 25741868, with internal and published modifications).

Clinical Genetics DNA and cytogenetics Diagnostics Lab, Erasmus MC, Erasmus Medical Center
Classification: Likely benign. Review status: no assertion criteria provided. Collection method: clinical testing. Allele origin: germline. Affected: yes. Study: VKGL Data-share Consensus. Not counted in ClinVar's aggregate classification.

Laboratory of Diagnostic Genome Analysis, Leiden University Medical Center (LUMC)
Classification: Likely benign. Review status: no assertion criteria provided. Collection method: clinical testing. Allele origin: germline. Affected: yes. Study: VKGL Data-share Consensus. Not counted in ClinVar's aggregate classification.